The following is an entry in ClinVar:

NM_174878.3(CLRN1):c.368C>A (p.Ala123Asp)

Gene: CLRN1 (clarin 1; minus strand). Cytogenetic location: 3q25.1.
Variant type: single nucleotide variant.
Coding change: c.368C>A on transcript NM_174878.3 (MANE Select); coding-DNA position 368, C replaced by A.
Protein change: p.Ala123Asp; replaces alanine 123 with aspartic acid.
Molecular consequence: missense variant. On other transcripts: non-coding transcript variant (1), nonsense (1).
Genome position (GRCh38, 1-based): chr3:150,941,647, G>T on the plus strand (C>A on the coding strand, the complement: CLRN1 is on the minus strand). VCF-style: chr3-150941647-G-T. GRCh37 (hg19) VCF-style: chr3-150659434-G-T.
Other names: c.140C>A, p.Ala47Asp (NM_052995.2); c.368C>A, p.Ala123Asp (NM_001195794.1); c.540C>A, p.Cys180Ter (NM_001256819.2); short protein forms A123D, A47D, C180*.
Identifiers: ClinVar variation 48146 (VCV000048146.25), dbSNP rs374963432, ClinGen allele CA142688.
Genomic context (GRCh38, chr3:150,941,647, plus strand): 5'-ATGAAGCTCAAAAGGTACAGCCCTAGGGGACCATGCAGAGTTTCAAAAGGTTTTCCAAAA[G>T]CATTGTACATGAAGAAGGCTGTCCCCACCATGGTTAACACAATAAGGATGGCAGAGAAGA-3'
Protein context (NP_777367.1, residues 113-133): MVGTAFFMYN[Ala123Asp]FGKPFETLHG

ClinVar aggregate classification (germline): Pathogenic/Likely pathogenic. Review status: criteria provided, multiple submitters, no conflicts (2 of 4 stars). 10 submissions from 9 submitters: Pathogenic (4); Likely pathogenic (5). 1 of the submissions does not count toward it. Last evaluated 2026-01-24.

Conditions:
CLRN1-related disorder. Also called: CLRN1-related condition.
Rare genetic deafness. Identifiers: Orphanet 96210, MedGen C5680250.
Retinitis pigmentosa 61 (RP61). Identifiers: Orphanet 791, MedGen C3280041, MONDO:0013610, OMIM 614180.
Usher syndrome type 3A (USH3A). Also called: USHER SYNDROME, TYPE IIIA. Identifiers: MedGen C5779850, MONDO:0010170, OMIM 276902.
Usher syndrome. Also called: Usher Syndromes; Usher's syndrome. Identifiers: Orphanet 886, MedGen CN469326, MeSH D052245, MONDO:0019501. Disease mechanism: loss of function.
Usher syndrome type 3. Also called: Usher Syndrome, Type III. Identifiers: Orphanet 231183, MedGen C1568248, MONDO:0016485.

Allele frequency attached by ClinVar (database versions not stated): ExAC 0.00003; TOPMed 0.00012; gnomAD 0.00015 and 0.00018; 1000 Genomes Project 0.00020; ESP Exome Variant Server 0.00023; 1000 Genomes Project 30x 0.00031; gnomAD exomes 0.00001 and 0.00002.
gnomAD v4.1: 41 of 1,614,062 alleles (0.0025%); highest among the groups gnomAD compares: African/African-American, 0.052%; no homozygotes.

Submissions (10):

Labcorp Genetics (formerly Invitae), Labcorp
Classification: Pathogenic. Last evaluated: 2026-01-24. Review status: criteria provided, single submitter. Criteria: Invitae Variant Classification Sherloc (09022015). Collection method: clinical testing. Allele origin: germline.
Comment: This sequence change replaces alanine, which is neutral and non-polar, with aspartic acid, which is acidic and polar, at codon 123 of the CLRN1 protein (p.Ala123Asp). This variant is present in population databases (rs374963432, gnomAD 0.04%). This missense change has been observed in individuals with Usher syndrome (PMID: 7407589, 19753315, 27460420). ClinVar contains an entry for this variant (Variation ID: 48146). An algorithm developed to predict the effect of missense changes on protein structure and function (PolyPhen-2) suggests that this variant is likely to be disruptive. Experimental studies have shown that this missense change affects CLRN1 function (PMID: 19753315). For these reasons, this variant has been classified as Pathogenic.

Natera, Inc.
Classification: Likely pathogenic for Usher syndrome type 3. Last evaluated: 2025-06-27. Review status: criteria provided, single submitter. Criteria: Natera Variant Classification Schema (03/2026). Collection method: clinical testing. Allele origin: germline.
Comment: The c.368C>A variant in CLRN1 is a missense variant predicted to cause substitution of alanine to aspartic acid at amino acid 123. This variant is rare in the general population with a frequency below the threshold expected for the associated phenotype(s). This variant has been observed in one or more individuals affected with the associated recessive disease, as either homozygous or compound heterozygous with a second variant (PMID: 17407589, 35481838). This variant has been identified in one or more affected individuals with a phenotype highly consistent with the associated gene (PMID: 35481838). Computational prediction algorithms indicate this variant is likely to affect gene or protein function. Given the available evidence, this variant is classified as Likely Pathogenic.

Baylor Genetics
Classification: Likely pathogenic for Retinitis pigmentosa 61. Last evaluated: 2024-02-22. Review status: criteria provided, single submitter. Criteria: ACMG Guidelines, 2015. Collection method: clinical testing. Allele origin: unknown.

Fulgent Genetics
Classification: Likely pathogenic for Usher syndrome type 3A; Retinitis pigmentosa 61. Last evaluated: 2024-02-05. Review status: criteria provided, single submitter. Criteria: ACMG Guidelines, 2015. Collection method: clinical testing. Allele origin: germline.

Blueprint Genetics
Classification: Pathogenic for CLRN1-related disorders. Last evaluated: 2023-10-27. Review status: criteria provided, single submitter. Criteria: ACMG Guidelines, 2015. Collection method: clinical testing. Allele origin: germline. Affected: yes. Observed: 4 variant alleles.

Laboratorio de Genetica e Diagnostico Molecular, Hospital Israelita Albert Einstein
Classification: Likely pathogenic for Usher syndrome type 3A. Last evaluated: 2022-01-04. Review status: criteria provided, single submitter. Criteria: ACMG Guidelines, 2015. Collection method: clinical testing. Allele origin: germline. Affected: yes.
Comment: ACMG classification criteria: PS3 supporting, PS4 moderate, PM2 moderate, PM3 supporting, PP3 supporting

Women's Health and Genetics/Laboratory Corporation of America, LabCorp
Classification: Pathogenic for Usher syndrome. Last evaluated: 2021-08-24. Review status: criteria provided, single submitter. Criteria: LabCorp Variant Classification Summary - May 2015. Collection method: clinical testing. Allele origin: germline.
Comment: Variant summary: CLRN1 c.368C>A (p.Ala123Asp) results in a non-conservative amino acid change located in the transmembrane domain (Yoshimura_2015) of the encoded protein sequence. Five of five in-silico tools predict a damaging effect of the variant on protein function. The variant allele was found at a frequency of 3.9e-05 in 283350 control chromosomes (gnomAD and publication data). This frequency is not significantly higher than expected for a pathogenic variant in CLRN1 causing Usher Syndrome (3.9e-05 vs 0.0014), allowing no conclusion about variant significance. c.368C>A has been reported in the literature in multiple individuals affected with Usher Syndrome, including two homozygotes (Ebermann_2007, Isosomppi_2009, Bonnet_2016). These data indicate that the variant is very likely to be associated with disease. At least one publication reports experimental evidence evaluating an impact on protein function and this variant results in CLRN1 protein retained in the ER and not trafficked to the plasma membrane (Isosomppi_2009). One ClinVar submitter (evaluation after 2014) cites the variant as pathogenic. Based on the evidence outlined above, the variant was classified as pathogenic.

Laboratory for Molecular Medicine, Mass General Brigham Personalized Medicine
Classification: Pathogenic for Rare genetic deafness. Last evaluated: 2011-05-17. Review status: criteria provided, single submitter. Criteria: LMM Criteria. Collection method: clinical testing. Allele origin: germline. Observed: 1 variant allele.
Comment: The Ala123Asp variant has been reported in two individuals with Usher syndrome a nd was absent from 566 control chromosomes (Ebermann 2007, Isosomppi 2009). In a ddition, functional studies showed that the variant protein is not correctly loc alized in the cell and is rapidly degraded (Isosomppi 2009). In summary, this da ta meets our criteria to classify this variant as pathogenic.

Baylor Genetics
Classification: Likely pathogenic for Usher syndrome type 3A. Review status: criteria provided, single submitter. Criteria: ACMG Guidelines, 2015. Collection method: clinical testing. Allele origin: germline.

Counsyl
Classification: Likely pathogenic for Usher syndrome, type 3. Last evaluated: 2014-06-27. Review status: no assertion criteria provided. Collection method: literature only. Allele origin: unknown. Inheritance: Autosomal recessive inheritance. Not counted in ClinVar's aggregate classification.

Literature cited by the submitters: PubMed 7407589 (cited by Labcorp Genetics (formerly Invitae), Labcorp); PubMed 19753315 (cited by 4 submitters); PubMed 27460420 (cited by Labcorp Genetics (formerly Invitae), Labcorp and Women's Health and Genetics/Laboratory Corporation of America, LabCorp); PubMed 17407589 (cited by 4 submitters); PubMed 35481838 (cited by Natera, Inc.); PubMed 31097578 (cited by Women's Health and Genetics/Laboratory Corporation of America, LabCorp); PubMed 25743179 (cited by Women's Health and Genetics/Laboratory Corporation of America, LabCorp); PubMed 23304067 (cited by Counsyl).